The following is an entry in ClinVar:

ClinVar aggregate classification (germline): Uncertain significance. Review status: criteria provided, multiple submitters, no conflicts (2 of 4 stars). 3 submissions from 3 submitters: Uncertain significance (2). 1 of the submissions does not count toward it. Last evaluated 2022-08-20.

Conditions:
TRIM32-related disorder. Also called: TRIM32-related condition.
Sarcotubular myopathy (LGMDR8). Also called: MUSCULAR DYSTROPHY, LIMB-GIRDLE, AUTOSOMAL RECESSIVE 8; Autosomal recessive limb-girdle muscular dystrophy type 2H; Hutterite type of muscular dystrophy; Limb-girdle muscular dystrophy, type 2H. Identifiers: Orphanet 1878, MedGen C0270968, MONDO:0009683, OMIM 254110.
Bardet-Biedl syndrome 11 (BBS11). Identifiers: Orphanet 110, MedGen C1859569, MONDO:0014439, OMIM 615988.
Bardet-Biedl syndrome (BBS). Identifiers: Orphanet 110, MedGen C0752166, MONDO:0015229.

Submissions (3):

Labcorp Genetics (formerly Invitae), Labcorp
Classification: Uncertain significance for Bardet-Biedl syndrome. Last evaluated: 2022-08-20. Review status: criteria provided, single submitter. Criteria: Invitae Variant Classification Sherloc (09022015). Collection method: clinical testing. Allele origin: germline.
Comment: In summary, the available evidence is currently insufficient to determine the role of this variant in disease. Therefore, it has been classified as a Variant of Uncertain Significance. Algorithms developed to predict the effect of missense changes on protein structure and function are either unavailable or do not agree on the potential impact of this missense change (SIFT: "Deleterious"; PolyPhen-2: "Possibly Damaging"; Align-GVGD: "Class C15"). ClinVar contains an entry for this variant (Variation ID: 1478070). This variant has not been reported in the literature in individuals affected with TRIM32-related conditions. This variant is not present in population databases (gnomAD no frequency). This sequence change replaces lysine, which is basic and polar, with glutamic acid, which is acidic and polar, at codon 247 of the TRIM32 protein (p.Lys247Glu).

Fulgent Genetics
Classification: Uncertain significance for Sarcotubular myopathy; Bardet-Biedl syndrome 11. Last evaluated: 2022-05-04. Review status: criteria provided, single submitter. Criteria: ACMG Guidelines, 2015. Collection method: clinical testing. Allele origin: unknown.

PreventionGenetics, part of Exact Sciences
Classification: Uncertain significance for TRIM32-related condition. Last evaluated: 2024-05-10. Review status: no assertion criteria provided. Collection method: clinical testing. Allele origin: germline. Not counted in ClinVar's aggregate classification.
Comment: The TRIM32 c.739A>G variant is predicted to result in the amino acid substitution p.Lys247Glu. To our knowledge, this variant has not been reported in the literature or in a large population database, indicating this variant is rare. At this time, the clinical significance of this variant is uncertain due to the absence of conclusive functional and genetic evidence.

NM_012210.4(TRIM32):c.739A>G (p.Lys247Glu)

Genes: ASTN2 (astrotactin 2; minus strand), TRIM32 (tripartite motif containing 32; plus strand). Cytogenetic location: 9q33.1.
Variant type: single nucleotide variant.
Coding change: c.739A>G on transcript NM_012210.4 (MANE Select); coding-DNA position 739, A replaced by G.
Protein change: p.Lys247Glu; replaces lysine 247 with glutamic acid.
Molecular consequence: missense variant. On other transcripts: intron variant (3).
Genome position (GRCh38, 1-based): chr9:116,698,481, A>G. VCF-style: chr9-116698481-A-G. GRCh37 (hg19) VCF-style: chr9-119460760-A-G.
Other names: c.739A>G, p.Lys247Glu (NM_001099679.2, NM_001379048.1, NM_001379049.1 and 1 more transcripts); c.2653+27290T>C (NM_014010.5); c.2794+27290T>C (NM_001365069.1); c.2806+27290T>C (NM_001365068.1); short protein forms K247E.
Identifiers: ClinVar variation 1478070 (VCV001478070.8), dbSNP rs2132072729, ClinGen allele CA374649624.
Genomic context (GRCh38, chr9:116,698,481, plus strand): 5'-CTGCTTAACATTGCAGAGGTGCAGGCTGTGTCTCGCTGTGACTACTTCCTGGCCAAGATC[A>G]AGCAGGCAGATGTAGCACTACTGGAGGAGACAGCTGATGAGGAGGAGCCAGAGCTCACTG-3'
Protein context (NP_036342.2, residues 237-257): SRCDYFLAKI[Lys247Glu]QADVALLEET